The following is an entry in ClinVar:

NM_000901.5(NR3C2):c.1546G>A (p.Val516Met)

Gene: NR3C2 (nuclear receptor subfamily 3 group C member 2; minus strand). Cytogenetic location: 4q31.23.
Variant type: single nucleotide variant.
Coding change: c.1546G>A on transcript NM_000901.5 (MANE Select); coding-DNA position 1546, G replaced by A.
Protein change: p.Val516Met; replaces valine 516 with methionine.
Molecular consequence: missense variant. On other transcripts: non-coding transcript variant (1).
Genome position (GRCh38, 1-based): chr4:148,435,315, C>T on the plus strand (G>A on the coding strand, the complement: NR3C2 is on the minus strand). VCF-style: chr4-148435315-C-T. GRCh37 (hg19) VCF-style: chr4-149356467-C-T.
Other names: c.1546G>A, p.Val516Met (NM_001166104.2, NM_001354819.1); short protein forms V516M.
Identifiers: ClinVar variation 2984693 (VCV002984693.3), dbSNP rs1749989861, ClinGen allele CA358244508.
Genomic context (GRCh38, chr4:148,435,315, plus strand): 5'-ATAAAGATATTGTACCTTGAGCACCAATCCTGTAGTGGAAGGACTGTCCACCTGAATTCA[C>T]CCCAACAATAGCAGAGGAAGGGATGCTGGCCTCTGGGTAATAGCTCCCATCATCTGGTTC-3'
Protein context (NP_000892.2, residues 506-526): ASIPSSAIVG[Val516Met]NSGGQSFHYR

ClinVar aggregate classification (germline): Uncertain significance (1 of 4 stars; one submission).

gnomAD v4.1: 1 of 1,614,166 alleles (0.000062%); no homozygotes.

Submission:

Labcorp Genetics (formerly Invitae), Labcorp
Classification: Uncertain significance. Last evaluated: 2023-05-26. Review status: criteria provided, single submitter. Criteria: Invitae Variant Classification Sherloc (09022015). Collection method: clinical testing. Allele origin: germline.
Comment: This variant has not been reported in the literature in individuals affected with NR3C2-related conditions. Advanced modeling of protein sequence and biophysical properties (such as structural, functional, and spatial information, amino acid conservation, physicochemical variation, residue mobility, and thermodynamic stability) performed at Invitae indicates that this missense variant is expected to disrupt NR3C2 protein function. In summary, the available evidence is currently insufficient to determine the role of this variant in disease. Therefore, it has been classified as a Variant of Uncertain Significance. This variant is not present in population databases (gnomAD no frequency). This sequence change replaces valine, which is neutral and non-polar, with methionine, which is neutral and non-polar, at codon 516 of the NR3C2 protein (p.Val516Met).